The following is an entry in ClinVar:

ClinVar aggregate classification (germline): Uncertain significance (1 of 4 stars; one submission).

Conditions:
DOCK2 deficiency. Also called: Immunodeficiency 40. Identifiers: Orphanet 447737, MedGen C4225328, MONDO:0014637, OMIM 616433.

Allele frequency attached by ClinVar (database versions not stated): gnomAD 0.00001.
gnomAD v4.1: 1 of 1,614,002 alleles (0.000062%); highest among the groups gnomAD compares: Admixed American, 0.0017%; no homozygotes.

Submission:

Labcorp Genetics (formerly Invitae), Labcorp
Classification: Uncertain significance for DOCK2 deficiency. Last evaluated: 2019-06-04. Review status: criteria provided, single submitter. Criteria: Invitae Variant Classification Sherloc (09022015). Collection method: clinical testing. Allele origin: germline.
Comment: This variant is not present in population databases (ExAC no frequency). This sequence change replaces isoleucine with leucine at codon 101 of the DOCK2 protein (p.Ile101Leu). The isoleucine residue is moderately conserved and there is a small physicochemical difference between isoleucine and leucine. This variant has not been reported in the literature in individuals with DOCK2-related conditions. Algorithms developed to predict the effect of missense changes on protein structure and function (SIFT, PolyPhen-2, Align-GVGD) all suggest that this variant is likely to be tolerated, but these predictions have not been confirmed by published functional studies and their clinical significance is uncertain. In summary, the available evidence is currently insufficient to determine the role of this variant in disease. Therefore, it has been classified as a Variant of Uncertain Significance.

NM_004946.3(DOCK2):c.301A>C (p.Ile101Leu)

Gene: DOCK2 (dedicator of cytokinesis 2; plus strand). Cytogenetic location: 5q35.1.
Variant type: single nucleotide variant.
Coding change: c.301A>C on transcript NM_004946.3 (MANE Select); coding-DNA position 301, A replaced by C.
Protein change: p.Ile101Leu; replaces isoleucine 101 with leucine.
Molecular consequence: missense variant. On other transcripts: non-coding transcript variant (1).
Genome position (GRCh38, 1-based): chr5:169,671,154, A>C. VCF-style: chr5-169671154-A-C. GRCh37 (hg19) VCF-style: chr5-169098158-A-C.
Other names: short protein forms I101L.
Identifiers: ClinVar variation 933389 (VCV000933389.9), dbSNP rs919112822, ClinGen allele CA131998922.